The following is an entry in ClinVar:

ClinVar aggregate classification (germline): Uncertain significance. Review status: criteria provided, multiple submitters, no conflicts (2 of 4 stars). 2 submissions from 2 submitters: Uncertain significance (2). Last evaluated 2024-02-15.

Conditions:
Hereditary cancer-predisposing syndrome. Also called: Tumor predisposition; Hereditary neoplastic syndrome; Hereditary Cancer Syndrome; Neoplastic Syndromes, Hereditary. Identifiers: Orphanet 140162, MedGen C0027672, MeSH D009386, MONDO:0015356.
Retinoblastoma (RB1). Also called: RETINOBLASTOMA, SOMATIC. Identifiers: Orphanet 790, MedGen C0035335, MeSH D012175, MONDO:0008380, OMIM 180200, HP:0009919. Disease mechanism: loss of function. Inheritance: Both sporadic and heritable forms are tested..

Submissions (2):

Labcorp Genetics (formerly Invitae), Labcorp
Classification: Uncertain significance for Retinoblastoma. Last evaluated: 2024-02-15. Review status: criteria provided, single submitter. Criteria: Invitae Variant Classification Sherloc (09022015). Collection method: clinical testing. Allele origin: germline.
Comment: This sequence change replaces isoleucine, which is neutral and non-polar, with threonine, which is neutral and polar, at codon 717 of the RB1 protein (p.Ile717Thr). This variant is not present in population databases (gnomAD no frequency). This variant has not been reported in the literature in individuals affected with RB1-related conditions. Advanced modeling of protein sequence and biophysical properties (such as structural, functional, and spatial information, amino acid conservation, physicochemical variation, residue mobility, and thermodynamic stability) performed at Invitae indicates that this missense variant is not expected to disrupt RB1 protein function with a negative predictive value of 80%. In summary, the available evidence is currently insufficient to determine the role of this variant in disease. Therefore, it has been classified as a Variant of Uncertain Significance.

Ambry Genetics
Classification: Uncertain significance for Hereditary cancer-predisposing syndrome. Last evaluated: 2023-12-22. Review status: criteria provided, single submitter. Criteria: Ambry Variant Classification Scheme 2023. Collection method: clinical testing. Allele origin: germline.
Comment: The p.I717T variant (also known as c.2150T>C), located in coding exon 21 of the RB1 gene, results from a T to C substitution at nucleotide position 2150. The isoleucine at codon 717 is replaced by threonine, an amino acid with similar properties. This amino acid position is conserved. In addition, the in silico prediction for this alteration is inconclusive. Since supporting evidence is limited at this time, the clinical significance of this alteration remains unclear.

NM_000321.3(RB1):c.2150T>C (p.Ile717Thr)

Gene: RB1 (RB transcriptional corepressor 1; plus strand). Cytogenetic location: 13q14.2.
Variant type: single nucleotide variant.
Coding change: c.2150T>C on transcript NM_000321.3 (MANE Select); coding-DNA position 2150, T replaced by C.
Protein change: p.Ile717Thr; replaces isoleucine 717 with threonine.
Molecular consequence: missense variant.
Genome position (GRCh38, 1-based): chr13:48,463,774, T>C. VCF-style: chr13-48463774-T-C. GRCh37 (hg19) VCF-style: chr13-49037910-T-C.
Other names: c.2150T>C, p.Ile717Thr (NM_001407165.1); short protein forms I717T.
Identifiers: ClinVar variation 2982090 (VCV002982090.4), dbSNP rs2138342379, ClinGen allele CA388167103.
Genomic context (GRCh38, chr13:48,463,774, plus strand): 5'-ATCAATTTATTTACTAGATTATGATGTGTTCCATGTATGGCATATGCAAAGTGAAGAATA[T>C]AGACCTTAAATTCAAAATCATTGTAACAGCATACAAGGATCTTCCTCATGCTGTTCAGGA-3'
Protein context (NP_000312.2, residues 707-727): SMYGICKVKN[Ile717Thr]DLKFKIIVTA